The following is an entry in ClinVar:

NM_006929.5(SKIC2):c.2107_2116del (p.Arg703fs)

Gene: SKIC2 (SKI2 subunit of superkiller complex; plus strand). Cytogenetic location: 6p21.33.
Variant type: Deletion.
Coding change: c.2107_2116del on transcript NM_006929.5 (MANE Select); coding-DNA positions 2107 to 2116, 10 bases deleted (CGGGCAGGGC; older notation c.2107_2116delCGGGCAGGGC).
Protein change: p.Arg703fs; shifts the reading frame from arginine 703.
Molecular consequence: frameshift variant.
Genome position (GRCh38, 1-based): chr6:31,965,918-31,965,927, CGGGCAGGGC deleted; deleting any 10 consecutive bases within chr6:31,965,915-31,965,927 gives the same sequence; the c. name uses the placement nearest the transcript's 3' end. VCF-style (leftmost placement, unchanged base first): chr6-31965914-AGGCCGGGCAG-A. GRCh37 (hg19) VCF-style: chr6-31933691-AGGCCGGGCAG-A.
Other names: short protein forms R703fs.
Identifiers: ClinVar variation 2008755 (VCV002008755.4), dbSNP rs2482964196, ClinGen allele CA2580074306.
Genomic context (GRCh38, chr6:31,965,914, plus strand): 5'-GCGCAAACACGATGGCTCCACCTTCCGGGACCTGCTCCCTGGGGAGTATGTGCAGATGGC[AGGCCGGGCAG>A]GGCGGAGGGGCCTGGACCCCACAGGCACCGTTATCCTGCTCTGCAAGGGCCGAGTGCCCG-3'

ClinVar aggregate classification (germline): Pathogenic (1 of 4 stars; one submission).

Submission:

Labcorp Genetics (formerly Invitae), Labcorp
Classification: Pathogenic. Last evaluated: 2023-07-07. Review status: criteria provided, single submitter. Criteria: Invitae Variant Classification Sherloc (09022015). Collection method: clinical testing. Allele origin: germline.
Comment: This sequence change creates a premature translational stop signal (p.Arg703Glyfs*27) in the SKIV2L gene. It is expected to result in an absent or disrupted protein product. Loss-of-function variants in SKIV2L are known to be pathogenic (PMID: 22444670). For these reasons, this variant has been classified as Pathogenic. ClinVar contains an entry for this variant (Variation ID: 2008755). This variant has not been reported in the literature in individuals affected with SKIV2L-related conditions. This variant is not present in population databases (gnomAD no frequency).

Literature cited by the submitters: PubMed 22444670.